The following is an entry in ClinVar:

ClinVar aggregate classification (germline): Likely pathogenic. Review status: criteria provided, multiple submitters, no conflicts (2 of 4 stars). 2 submissions from 2 submitters: Likely pathogenic (2). Last evaluated 2024-11-18.

Conditions:
Enhanced S-cone syndrome (ESCS). Identifiers: Orphanet 53540, MedGen C1849394, MONDO:0100288, MONDO:0009989.
NR2E3-related disorder. Also called: NR2E3-related condition; NR2E3-related disorders. Identifiers: MedGen CN239387.

Submissions (2):

Natera, Inc.
Classification: Likely pathogenic for Enhanced S cone syndrome. Last evaluated: 2024-11-18. Review status: criteria provided, single submitter. Criteria: Natera Variant Classification Schema (03/2026). Collection method: clinical testing. Allele origin: germline.
Comment: The c.141C>A variant in NR2E3 is a nonsense variant predicted to introduce a stop codon at amino acid 47. This variant is expected to result in nonsense mediated decay, truncation, or a dysfunctional protein product. This variant is rare in the general population with a frequency below the threshold expected for the associated phenotype(s). Given the available evidence, this variant is classified as Likely Pathogenic.

Blueprint Genetics
Classification: Likely pathogenic for NR2E3-related disorders. Last evaluated: 2021-10-29. Review status: criteria provided, single submitter. Criteria: ACMG Guidelines, 2015. Collection method: clinical testing. Allele origin: germline. Affected: yes. Observed: 1 variant allele.

NM_014249.4(NR2E3):c.141C>A (p.Cys47Ter)

Gene: NR2E3 (nuclear receptor subfamily 2 group E member 3; plus strand). Cytogenetic location: 15q23.
Variant type: single nucleotide variant.
Coding change: c.141C>A on transcript NM_014249.4 (MANE Select); coding-DNA position 141, C replaced by A.
Protein change: p.Cys47Ter; replaces cysteine 47 with a stop codon.
Molecular consequence: nonsense.
Genome position (GRCh38, 1-based): chr15:71,811,505, C>A. VCF-style: chr15-71811505-C-A. GRCh37 (hg19) VCF-style: chr15-72103845-C-A.
Other names: c.141C>A, p.Cys47Ter (NM_016346.4); short protein forms C47*.
Identifiers: ClinVar variation 4815618 (VCV004815618.2).